The following is an entry in ClinVar:

NM_001082971.2(DDC):c.965T>G (p.Leu322Ter)

Gene: DDC (dopa decarboxylase; minus strand). Cytogenetic location: 7p12.2.
Variant type: single nucleotide variant.
Coding change: c.965T>G on transcript NM_001082971.2 (MANE Select); coding-DNA position 965, T replaced by G.
Protein change: p.Leu322Ter; replaces leucine 322 with a stop codon.
Molecular consequence: nonsense.
Genome position (GRCh38, 1-based): chr7:50,479,843, A>C on the plus strand (T>G on the coding strand, the complement: DDC is on the minus strand). VCF-style: chr7-50479843-A-C. GRCh37 (hg19) VCF-style: chr7-50547541-A-C.
Other names: c.965T>G, p.Leu322Ter (NM_000790.4); c.851T>G, p.Leu284Ter (NM_001242886.2); c.821T>G, p.Leu274Ter (NM_001242887.2); c.731T>G, p.Leu244Ter (NM_001242888.2); c.686T>G, p.Leu229Ter (NM_001242889.2); short protein forms L322*, L229*, L244*, L274*, L284*.
Identifiers: ClinVar variation 3674605 (VCV003674605.2).

ClinVar aggregate classification (germline): Pathogenic (1 of 4 stars; one submission).

Conditions:
Deficiency of aromatic-L-amino-acid decarboxylase. Also called: AADC DEFICIENCY; DDC DEFICIENCY; DOPA DECARBOXYLASE DEFICIENCY; Aromatic L-Amino Acid Decarboxylase Deficiency; Aromatic amino acid decarboxylase deficiency. Identifiers: Orphanet 35708, MedGen C1291564, MONDO:0012084, OMIM 608643.

gnomAD v4.1: 6 of 1,613,552 alleles (0.00037%); highest among the groups gnomAD compares: Non-Finnish European, 0.00042%; no homozygotes.

Submission:

Labcorp Genetics (formerly Invitae), Labcorp
Classification: Pathogenic for Deficiency of aromatic-L-amino-acid decarboxylase. Last evaluated: 2024-03-03. Review status: criteria provided, single submitter. Criteria: Invitae Variant Classification Sherloc (09022015). Collection method: clinical testing. Allele origin: germline.
Comment: This sequence change creates a premature translational stop signal (p.Leu322*) in the DDC gene. It is expected to result in an absent or disrupted protein product. Loss-of-function variants in DDC are known to be pathogenic (PMID: 15079002, 24788355). This variant is not present in population databases (gnomAD no frequency). This variant has not been reported in the literature in individuals affected with DDC-related conditions. For these reasons, this variant has been classified as Pathogenic.

Literature cited by the submitters: PubMed 15079002; PubMed 24788355.